The following is an entry in ClinVar:

NM_001130987.2(DYSF):c.2860A>G (p.Lys954Glu)

Gene: DYSF (dysferlin; plus strand). Cytogenetic location: 2p13.2.
Variant type: single nucleotide variant.
Coding change: c.2860A>G on transcript NM_001130987.2 (MANE Select); coding-DNA position 2860, A replaced by G.
Protein change: p.Lys954Glu; replaces lysine 954 with glutamic acid.
Molecular consequence: missense variant.
Genome position (GRCh38, 1-based): chr2:71,568,334, A>G. VCF-style: chr2-71568334-A-G. GRCh37 (hg19) VCF-style: chr2-71795464-A-G.
Other names: c.2809A>G, p.Lys937Glu (NM_001130455.2, NM_001130983.2); c.2764A>G, p.Lys922Glu (NM_001130976.2, NM_001130977.2); c.2806A>G, p.Lys936Glu (NM_001130978.2, NM_003494.4); c.2899A>G, p.Lys967Glu (NM_001130979.2); c.2857A>G, p.Lys953Glu (NM_001130980.2, NM_001130981.2); c.2902A>G, p.Lys968Glu (NM_001130982.2); c.2767A>G, p.Lys923Glu (NM_001130984.2, NM_001130986.2); c.2860A>G, p.Lys954Glu (NM_001130985.2); short protein forms K954E, K936E, K953E, K922E, K923E, K968E, K937E, K967E.
Identifiers: ClinVar variation 471288 (VCV000471288.6), dbSNP rs1038837599, ClinGen allele CA49744966.

ClinVar aggregate classification (germline): Uncertain significance (1 of 4 stars; one submission).

Conditions:
Neuromuscular disease caused by qualitative or quantitative defects of dysferlin. Also called: Dysferlinopathy; Qualitative or quantitative defects of dysferlin. Identifiers: Orphanet 207073, MedGen C2931687, MONDO:0016145.

Allele frequency attached by ClinVar (database versions not stated): gnomAD exomes below 0.00001; gnomAD 0.00001 and 0.00006; TOPMed 0.00008.
gnomAD v4.1: 10 of 1,613,954 alleles (0.00062%); highest among the groups gnomAD compares: Non-Finnish European, 0.00017%; no homozygotes.

Submission:

Labcorp Genetics (formerly Invitae), Labcorp
Classification: Uncertain significance for Neuromuscular disease caused by qualitative or quantitative defects of dysferlin. Last evaluated: 2021-08-30. Review status: criteria provided, single submitter. Criteria: Invitae Variant Classification Sherloc (09022015). Collection method: clinical testing. Allele origin: germline.
Comment: This sequence change replaces lysine with glutamic acid at codon 936 of the DYSF protein (p.Lys936Glu). The lysine residue is moderately conserved and there is a small physicochemical difference between lysine and glutamic acid. This variant is not present in population databases (ExAC no frequency). This variant has not been reported in the literature in individuals affected with DYSF-related conditions. Algorithms developed to predict the effect of missense changes on protein structure and function are either unavailable or do not agree on the potential impact of this missense change (SIFT: "Tolerated"; PolyPhen-2: "Possibly Damaging"; Align-GVGD: "Class C0"). In summary, the available evidence is currently insufficient to determine the role of this variant in disease. Therefore, it has been classified as a Variant of Uncertain Significance.